The following is an entry in ClinVar:

ClinVar aggregate classification (germline): Uncertain significance (1 of 4 stars; one submission).

Conditions:
Hereditary cancer-predisposing syndrome. Also called: Hereditary neoplastic syndrome; Neoplastic Syndromes, Hereditary; Tumor predisposition; Hereditary Cancer Syndrome. Identifiers: Orphanet 140162, MedGen C0027672, MeSH D009386, MONDO:0015356.

Submission:

Ambry Genetics
Classification: Uncertain significance for Hereditary cancer-predisposing syndrome. Last evaluated: 2025-08-27. Review status: criteria provided, single submitter. Criteria: Ambry Variant Classification Scheme 2023. Collection method: clinical testing. Allele origin: germline.
Comment: The p.A127G variant (also known as c.380C>G), located in coding exon 4 of the MUTYH gene, results from a C to G substitution at nucleotide position 380. The alanine at codon 127 is replaced by glycine, an amino acid with similar properties. This amino acid position is conserved. In addition, the in silico prediction for this alteration is inconclusive. Based on the available evidence, the clinical significance of this variant remains unclear.

NM_001048174.2(MUTYH):c.296C>G (p.Ala99Gly)

Gene: MUTYH (mutY DNA glycosylase; minus strand). Cytogenetic location: 1p34.1.
Variant type: single nucleotide variant.
Coding change: c.296C>G on transcript NM_001048174.2 (MANE Select); coding-DNA position 296, C replaced by G.
Protein change: p.Ala99Gly; replaces alanine 99 with glycine.
Molecular consequence: missense variant. On other transcripts: non-coding transcript variant (7).
Genome position (GRCh38, 1-based): chr1:45,333,293, G>C on the plus strand (C>G on the coding strand, the complement: MUTYH is on the minus strand). VCF-style: chr1-45333293-G-C. GRCh37 (hg19) VCF-style: chr1-45798965-G-C.
Other names: c.296C>G, p.Ala99Gly (NM_001048171.2, NM_001048173.2, NM_001293195.2 and 6 more transcripts); c.299C>G, p.Ala100Gly (NM_001048172.2, NM_001407071.1, NM_001407078.1 and 2 more transcripts); c.380C>G, p.Ala127Gly (NM_001128425.2); c.341C>G, p.Ala114Gly (NM_001293190.2); c.329C>G, p.Ala110Gly (NM_001293191.2, NM_001407077.1); c.20C>G, p.Ala7Gly (NM_001293192.2, NM_001293196.2, NM_001407091.1); c.25C>G, p.His9Asp (NM_001350650.2, NM_001350651.2, NM_001407082.1); c.371C>G, p.Ala124Gly (NM_001407069.1, NM_012222.3); and 3 more; short protein forms A106G, A110G, A124G, A7G, A100G, A113G, A99G, A114G.
Identifiers: ClinVar variation 4113643 (VCV004113643.1).